The following is an entry in ClinVar:

ClinVar aggregate classification (germline): Uncertain significance (1 of 4 stars; one submission).

Submission:

GeneDx
Classification: Uncertain significance. Last evaluated: 2019-12-03. Review status: criteria provided, single submitter. Criteria: GeneDx Variant Classification Process June 2021. Collection method: clinical testing. Allele origin: germline. Affected: yes.
Comment: Not observed in large population cohorts (Lek et al., 2016); Canonical splice site variant predicted to result in an in-frame deletion of exon 3]; Has not been previously published as pathogenic or benign to our knowledge

NM_030777.4(SLC2A10):c.1411+4_1411+5del

Gene: SLC2A10 (solute carrier family 2 member 10; plus strand). Cytogenetic location: 20q13.12.
Variant type: Deletion.
Coding change: c.1411+4_1411+5del on transcript NM_030777.4 (MANE Select); bases 4 to 5 of the intron after coding-DNA position 1411, 2 bases deleted (AG; older notation c.1411+4_1411+5delAG).
Molecular consequence: intron variant.
Genome position (GRCh38, 1-based): chr20:46,726,990-46,726,991, AG deleted; deleting any 2 consecutive bases within chr20:46,726,989-46,726,991 gives the same sequence; the c. name uses the placement nearest the transcript's 3' end. VCF-style (leftmost placement, unchanged base first): chr20-46726988-TGA-T. GRCh37 (hg19) VCF-style: chr20-45355627-TGA-T.
Identifiers: ClinVar variation 1310526 (VCV001310526.2), dbSNP rs1980009887, ClinGen allele CA1017977585.